The following is an entry in ClinVar:

NM_001267550.2(TTN):c.9914A>T (p.Asp3305Val)

Gene: TTN (titin; minus strand). Cytogenetic location: 2q31.2.
Variant type: single nucleotide variant.
Coding change: c.9914A>T on transcript NM_001267550.2 (MANE Select); coding-DNA position 9914, A replaced by T.
Protein change: p.Asp3305Val; replaces aspartic acid 3305 with valine.
Molecular consequence: missense variant.
Genome position (GRCh38, 1-based): chr2:178,764,601, T>A on the plus strand (A>T on the coding strand, the complement: TTN is on the minus strand). VCF-style: chr2-178764601-T-A. GRCh37 (hg19) VCF-style: chr2-179629328-T-A.
Other names: c.9914A>T, p.Asp3305Val (NM_001256850.1, NM_133378.4, NM_133379.5); c.9776A>T, p.Asp3259Val (NM_003319.4, NM_133432.3, NM_133437.4); short protein forms D3305V, D3259V.
Identifiers: ClinVar variation 4986916 (VCV004986916.1).

ClinVar aggregate classification (germline): Uncertain significance (1 of 4 stars; one submission).

Conditions:
TTN-related disorder. Also called: TTN-related disorders; TTN-related condition; TTN-related disease.

Submission:

PreventionGenetics, part of Exact Sciences
Classification: Uncertain significance for TTN-related condition. Last evaluated: 2025-06-17. Review status: criteria provided, single submitter. Criteria: ACMG Guidelines, 2015. Collection method: clinical testing. Allele origin: germline.
Comment: The TTN c.9914A>T variant is predicted to result in the amino acid substitution p.Asp3305Val. To our knowledge, this variant has not been reported in the literature or in a large population database (gnomAD), indicating this variant is rare. At this time, the clinical significance of this variant is uncertain due to the absence of conclusive functional and genetic evidence.